The following is an entry in ClinVar:

ClinVar aggregate classification (germline): Pathogenic (0 of 4 stars; one submission).

Conditions:
Congenital muscular disorder.

Submission:

Genetics and Pathophysiological Mechanisms of Congenital Anomalies, Instituto de Investigaciones Biomedicas Sols-Morreale (CSIC-UAM)
Classification: Pathogenic for Congenital muscular disorder. Review status: no assertion criteria provided. Collection method: research. Allele origin: germline. Inheritance: Autosomal recessive inheritance. Affected: yes.
Comment: This variant destroys the canonical acceptor splice site of exon 2 (CAG>CAA) of the CACNB1 gene, and, according to bioinformatic predictors (spliceAI), it creates a new adjacent acceptor site (AAG) involving the first nucleotide of CACNB1 exon 2. RT-PCR amplification of CACNB1 in whole blood RNA from the affected individual homozygous for the c.85-1G>A transversion, demonstrated the use of the new acceptor site created by the variant, which leads to the deletion of the first nucleotide of CACNB1 exon 2 and a subsequent frameshift (NM_000723.5: r.86delG; p.(Gly29Alafs*53)). Introduction of the c.85-1G>A variant into the LHCN2-M2 human myoblast cell line resulted in pathogenic effects consisting in reduced protein levels of the pore-forming subunit of the L-type voltage-gated calcium channel Cav1.1, also known as dihydropyridine receptor (DHPR). This channel plays an essential role in skeletal muscle function (PMID:28012042). The variant was not present in gnomAD v4.1.0 and it was found to segregate with the disease in the family. ACMG/AMP criteria (PMID:25741868): PVS1, PS3, PM2, PM3.

Literature cited by the submitters: PubMed 41023410.

NM_000723.5(CACNB1):c.85-1G>A

Gene: CACNB1 (calcium voltage-gated channel auxiliary subunit beta 1; minus strand). Cytogenetic location: 17q12.
Variant type: single nucleotide variant.
Coding change: c.85-1G>A on transcript NM_000723.5 (MANE Select); the canonical splice acceptor site of the intron before coding-DNA position 85, G replaced by A.
Molecular consequence: splice acceptor variant.
Genome position (GRCh38, 1-based): chr17:39,194,971, C>T on the plus strand (G>A on the coding strand, the complement: CACNB1 is on the minus strand). VCF-style: chr17-39194971-C-T. GRCh37 (hg19) VCF-style: chr17-37351224-C-T.
Other names: c.85-1G>A (NM_199248.3, NM_199247.3).
Identifiers: ClinVar variation 4073709 (VCV004073709.1).
Genomic context (GRCh38, chr17:39,194,971, plus strand): 5'-ATCCGAGGACGTGCTCCCATCTGACCGTTTGAATCGCCCTTTCCTCTTGCTGTATTTGCC[C>T]TGAAGAGGCCAGGAAAGGAACAAGAGTAGAATCAGAAGGGCCCTTTCCCAACCCTCATCT-3'